The following is an entry in ClinVar:

ClinVar aggregate classification (germline): Conflicting classifications of pathogenicity. Review status: criteria provided, conflicting classifications (1 of 4 stars). 10 submissions from 10 submitters: Uncertain significance (6); Likely benign (2). 2 of the submissions do not count toward it. Last evaluated 2026-06-23.

Conditions:
BRCA2-related disorder. Also called: BRCA2-related condition; BRCA2-related disorders. Identifiers: MedGen CN239275.
Hereditary cancer-predisposing syndrome. Also called: Hereditary Cancer Syndrome; Neoplastic Syndromes, Hereditary; Hereditary neoplastic syndrome; Tumor predisposition. Identifiers: Orphanet 140162, MedGen C0027672, MeSH D009386, MONDO:0015356.
Hereditary breast ovarian cancer syndrome. Also called: Hereditary breast and ovarian cancer syndrome; Breast and ovarian cancer; BRCA1- and BRCA2-Associated Hereditary Breast and Ovarian Cancer; Hereditary breast and/or ovarian cancer syndrome; Hereditary breast and ovarian cancer; Hereditary breast and ovarian cancer syndrome (HBOC). Identifiers: Orphanet 145, MedGen C0677776, MeSH D061325, MONDO:0003582. Disease mechanism: loss of function.
Breast-ovarian cancer, familial, susceptibility to, 2 (BROVCA2). Also called: BRCA2 Hereditary Breast and Ovarian Cancer. Identifiers: Orphanet 145, MedGen C2675520, MONDO:0012933, OMIM 612555. Disease mechanism: loss of function.

Allele frequency attached by ClinVar (database versions not stated): gnomAD exomes below 0.00001; ExAC 0.00001; ESP Exome Variant Server 0.00008.
gnomAD v4.1: 1 of 1,613,800 alleles (0.000062%); highest among the groups gnomAD compares: Admixed American, 0.0017%; no homozygotes.

Submissions (10):

PreventionGenetics, part of Exact Sciences
Classification: Uncertain significance for BRCA2-related condition. Last evaluated: 2026-06-23. Review status: criteria provided, single submitter. Criteria: ACMG Guidelines, 2015. Collection method: clinical testing. Allele origin: germline.
Comment: The BRCA2 c.8808G>C variant is predicted to result in the amino acid substitution p.Leu2936Phe. To our knowledge, this variant has not been reported in the literature. This variant is reported in 0.00088% of alleles in individuals of European (Non-Finnish) descent in gnomAD and has conflicting interpretations of pathogenicity in ClinVar of uncertain significance and likely benign (Variation ID: 52682). At this time, the clinical significance of this variant is uncertain due to the absence of conclusive functional and genetic evidence.

Labcorp Genetics (formerly Invitae), Labcorp
Classification: Likely benign for Hereditary breast ovarian cancer syndrome. Last evaluated: 2025-11-06. Review status: criteria provided, single submitter. Criteria: Invitae Variant Classification Sherloc (09022015). Collection method: clinical testing. Allele origin: germline.

Ambry Genetics
Classification: Uncertain significance for Hereditary cancer-predisposing syndrome. Last evaluated: 2025-06-25. Review status: criteria provided, single submitter. Criteria: Ambry Variant Classification Scheme 2023. Collection method: clinical testing. Allele origin: germline.
Comment: The p.L2936F variant (also known as c.8808G>C), located in coding exon 21 of the BRCA2 gene, results from a G to C substitution at nucleotide position 8808. The leucine at codon 2936 is replaced by phenylalanine, an amino acid with highly similar properties. Using a computational method that produces a probabilistic likelihood ratio predictive of whether a missense variant impairs protein function, this alteration is predicted to be neutral (Karchin R et al. Cancer Inform, 2008 Apr;6:203-16). Two saturation genome editing-based studies, including a haploid cell-survival assay and a humanized mouse embryonic stem cell line assay of drug response and survival, demonstrate that this nucleotide substitution may be non-functional; however, additional evidence is needed to confirm these findings (Huang H et al. Nature. 2025 Feb;638(8050):528-537; Sahu S et al. Nature. 2025 Feb;638(8050):538-545). This amino acid position is well conserved in available vertebrate species. In addition, the in silico prediction for this alteration is inconclusive. Based on the available evidence, the clinical significance of this variant remains unclear.

Color Diagnostics, LLC DBA Color Health
Classification: Uncertain significance for Hereditary cancer-predisposing syndrome. Last evaluated: 2024-10-07. Review status: criteria provided, single submitter. Criteria: ACMG Guidelines, 2015. Collection method: clinical testing. Allele origin: germline.
Comment: This missense variant replaces leucine with phenylalanine at codon 2936 of the BRCA2 protein. Computational prediction suggests that this variant may not impact protein structure and function. To our knowledge, functional studies have not been reported for this variant. This variant has been reported in an individual affected with breast cancer (PMID: 19491284). This variant has been identified in 1/250818 chromosomes in the general population by the Genome Aggregation Database (gnomAD). The available evidence is insufficient to determine the role of this variant in disease conclusively. Therefore, this variant is classified as a Variant of Uncertain Significance.

Women's Health and Genetics/Laboratory Corporation of America, LabCorp
Classification: Uncertain significance. Last evaluated: 2023-11-27. Review status: criteria provided, single submitter. Criteria: LabCorp Variant Classification Summary - May 2015. Collection method: clinical testing. Allele origin: germline.
Comment: Variant summary: BRCA2 c.8808G>C (p.Leu2936Phe) results in a non-conservative amino acid change located in the second OB fold (OB2) domain (IPR048262) of the encoded protein sequence. Four of five in-silico tools predict a damaging effect of the variant on protein function. The variant allele was found at a frequency of 7.9e-06 in 251932 control chromosomes (gnomAD v2.1, and Kanchi_2014). The available data on variant occurrences in the general population are insufficient to allow any conclusion about variant significance. c.8808G>C has been reported in the literature in an individual affected with breast cancer, without supportive evidence for causality (Haffty_2009). This report does not provide unequivocal conclusions about association of the variant with Hereditary Breast And Ovarian Cancer Syndrome. To our knowledge, no experimental evidence demonstrating an impact on protein function has been reported. Seven submitters have cited clinical-significance assessments for this variant to ClinVar after 2014. Based on the evidence outlined above, the variant was classified as uncertain significance.

Myriad Genetics, Inc.
Classification: Likely benign for Breast-ovarian cancer, familial, susceptibility to, 2. Last evaluated: 2023-06-12. Review status: criteria provided, single submitter. Criteria: Myriad Autosomal Dominant, Autosomal Recessive and X-Linked Classification Criteria (2023). Collection method: clinical testing. Allele origin: unknown.
Comment: This variant is considered likely benign. This variant is strongly associated with less severe personal and family histories of cancer, typical for individuals without pathogenic variants in this gene [PMID: 25085752].

GeneDx
Classification: Uncertain significance. Last evaluated: 2019-12-13. Review status: criteria provided, single submitter. Criteria: GeneDx Variant Classification Process June 2021. Collection method: clinical testing. Allele origin: germline. Affected: yes.
Comment: Not observed at a significant frequency in large population cohorts (Lek 2016); Observed in individuals with a personal history of breast cancer (Haffty 2009); In silico analysis, which includes protein predictors and evolutionary conservation, supports that this variant does not alter protein structure/function; Also known as 9036G>C; This variant is associated with the following publications: (PMID: 19491284, 19043619)

ARUP Laboratories, Molecular Genetics and Genomics, ARUP Laboratories
Classification: Uncertain significance. Last evaluated: 2019-11-08. Review status: criteria provided, single submitter. Criteria: ARUP Molecular Germline Variant Investigation Process. Collection method: clinical testing. Allele origin: germline.
Comment: The BRCA2 c.8808G>C; p.Leu2936Phe variant (rs80359138) is reported in the literature in a cohort of breast cancer patients (Haffty 2009), and is also reported in ClinVar (Variation ID: 52682). This variant is only observed on one allele in the Genome Aggregation Database, indicating it is not a common polymorphism. The leucine at codon 2936 is moderately conserved, and computational analyses (SIFT, PolyPhen-2) predict that this variant is deleterious. However, due to limited information, the clinical significance of this variant is uncertain at this time. REFERENCES Haffty BG et al. Breast cancer in young women (YBC): prevalence of BRCA1/2 mutations and risk of secondary malignancies across diverse racial groups. Ann Oncol. 2009 Oct;20(10):1653-9.

Counsyl
Classification: Uncertain significance for Breast-ovarian cancer, familial, susceptibility to, 2. Last evaluated: 2017-12-27. Review status: no assertion criteria provided. Collection method: clinical testing. Allele origin: unknown. Not counted in ClinVar's aggregate classification.

Breast Cancer Information Core (BIC) (BRCA2)
Classification: Uncertain significance for Breast-ovarian cancer, familial 2. Last evaluated: 2003-12-23. Review status: no assertion criteria provided. Collection method: clinical testing. Allele origin: germline. Affected: yes. Observed: 1 variant allele. Not counted in ClinVar's aggregate classification.

Literature cited by the submitters: PubMed 19043619 (cited by Ambry Genetics and Counsyl); PubMed 19491284 (cited by 4 submitters); PubMed 39779848 (cited by Ambry Genetics); PubMed 39779857 (cited by Ambry Genetics); PubMed 24448499 (cited by Women's Health and Genetics/Laboratory Corporation of America, LabCorp); PubMed 25085752 (cited by Myriad Genetics, Inc.).

NM_000059.4(BRCA2):c.8808G>C (p.Leu2936Phe)

Gene: BRCA2 (BRCA2 DNA repair associated; plus strand). Cytogenetic location: 13q13.1.
Variant type: single nucleotide variant.
Coding change: c.8808G>C on transcript NM_000059.4 (MANE Select); coding-DNA position 8808, G replaced by C.
Protein change: p.Leu2936Phe; replaces leucine 2936 with phenylalanine.
Molecular consequence: missense variant.
Genome position (GRCh38, 1-based): chr13:32,379,370, G>C. VCF-style: chr13-32379370-G-C. GRCh37 (hg19) VCF-style: chr13-32953507-G-C.
Other names: short protein forms L2936F.
Identifiers: ClinVar variation 52682 (VCV000052682.35), dbSNP rs80359138, ClinGen allele CA025832.